The following is an entry in ClinVar:

ClinVar aggregate classification (germline): Pathogenic (1 of 4 stars; one submission).

Conditions:
Joubert syndrome 14 (JBTS14). Identifiers: MedGen C3280766, MONDO:0013745, OMIM 614424.

Submission:

Labcorp Genetics (formerly Invitae), Labcorp
Classification: Pathogenic for Joubert syndrome 14. Last evaluated: 2020-07-21. Review status: criteria provided, single submitter. Criteria: Invitae Variant Classification Sherloc (09022015). Collection method: clinical testing. Allele origin: germline.
Comment: A gross deletion of the genomic region encompassing the full coding sequence of the TMEM237 gene has been identified. The boundaries of this event are unknown as the deletion extends beyond the assayed region for this gene and therefore may encompass additional genes. This variant has not been reported in the literature in individuals with TMEM237-related disease. Loss-of-function variants in TMEM237 are known to be pathogenic (PMID: 22152675). For these reasons, this variant has been classified as Pathogenic.

Literature cited by the submitters: PubMed 22152675.

NC_000002.11:g.(?_202466462)_(202508123_?)del

Genes: TMEM237 (transmembrane protein 237; minus strand), CATSPERT (catsper channel auxiliary subunit tau; minus strand). Cytogenetic location: 2q33.1.
Variant type: Deletion.
Identifiers: ClinVar variation 1072229 (VCV001072229.1).